The following is an entry in ClinVar:

NM_000545.8(HNF1A):c.1687A>G (p.Thr563Ala)

Gene: HNF1A (HNF1 homeobox A; plus strand). Cytogenetic location: 12q24.31.
Variant type: single nucleotide variant.
Coding change: c.1687A>G on transcript NM_000545.8 (MANE Select); coding-DNA position 1687, A replaced by G.
Protein change: p.Thr563Ala; replaces threonine 563 with alanine.
Molecular consequence: missense variant.
Genome position (GRCh38, 1-based): chr12:120,999,546, A>G. VCF-style: chr12-120999546-A-G. GRCh37 (hg19) VCF-style: chr12-121437349-A-G.
Other names: c.1708A>G, p.Thr570Ala (NM_001306179.2); short protein forms T570A, T563A.
Identifiers: ClinVar variation 882512 (VCV000882512.5), dbSNP rs1877313665, ClinGen allele CA386973006.

ClinVar aggregate classification (germline): Uncertain significance. Review status: criteria provided, multiple submitters, no conflicts (2 of 4 stars). 2 submissions from 2 submitters: Uncertain significance (2). Last evaluated 2018-01-13.

Conditions:
Maturity-onset diabetes of the young (MODY). Also called: Maturity onset diabetes mellitus in young. Identifiers: Orphanet 552, MedGen C0342276, MONDO:0018911, HP:0004904.
Maturity-onset diabetes of the young type 3. Also called: MODY type 3; MODY, type III. Identifiers: Orphanet 552, MedGen C1838100, MeSH C563933, MONDO:0010894, OMIM 600496. Disease mechanism: loss of function.

gnomAD v4.1: 2 of 1,612,766 alleles (0.00012%); highest among the groups gnomAD compares: African/African-American, 0.0013%; no homozygotes.

Submissions (2):

Illumina Laboratory Services, Illumina
Classification: Uncertain significance for Maturity-onset diabetes of the young type 3. Last evaluated: 2018-01-13. Review status: criteria provided, single submitter. Criteria: ICSL Variant Classification Criteria 13 December 2019. Collection method: clinical testing. Allele origin: germline.

Clinical Genomics, Uppaluri K&H Personalized Medicine Clinic
Classification: Uncertain significance for Maturity-onset diabetes of the young. Review status: criteria provided, single submitter. Criteria: K & H Uppaluri Personalized Medicine Clinic Variant Classification & Assertion Criteria_Updated V.1. Collection method: research. Allele origin: unknown. Inheritance: Autosomal dominant inheritance.
Comment: Mutations in HNF1A gene can predispose to MODY3. It is associated with both micro and macrovascular complications of diabetes, especially cardiovascular complications. Associated with glucosuria. May respond well to sulfonylureas. However, more evidence is required to confer the association of this particular variant rs1877313665 with MODY3.

Literature cited by the submitters: PubMed 31517624 (cited by Clinical Genomics, Uppaluri K&H Personalized Medicine Clinic); PubMed 32395877 (cited by Clinical Genomics, Uppaluri K&H Personalized Medicine Clinic); PubMed 35328643 (cited by Clinical Genomics, Uppaluri K&H Personalized Medicine Clinic); PubMed 35673428 (cited by Clinical Genomics, Uppaluri K&H Personalized Medicine Clinic).